The following is an entry in ClinVar:

NM_001089.3(ABCA3):c.623G>A (p.Arg208Gln)

Gene: ABCA3 (ATP binding cassette subfamily A member 3; minus strand). Cytogenetic location: 16p13.3.
Variant type: single nucleotide variant.
Coding change: c.623G>A on transcript NM_001089.3 (MANE Select); coding-DNA position 623, G replaced by A.
Protein change: p.Arg208Gln; replaces arginine 208 with glutamine.
Molecular consequence: missense variant.
Genome position (GRCh38, 1-based): chr16:2,319,831, C>T on the plus strand (G>A on the coding strand, the complement: ABCA3 is on the minus strand). VCF-style: chr16-2319831-C-T. GRCh37 (hg19) VCF-style: chr16-2369832-C-T.
Other names: short protein forms R208Q.
Identifiers: ClinVar variation 4690362 (VCV004690362.2).

ClinVar aggregate classification (germline): Uncertain significance. Review status: criteria provided, multiple submitters, no conflicts (2 of 4 stars). 2 submissions from 2 submitters: Uncertain significance (2). Last evaluated 2025-07-21.

Conditions:
Interstitial lung disease due to ABCA3 deficiency. Also called: PULMONARY ALVEOLAR PROTEINOSIS, CONGENITAL, 3. Identifiers: Orphanet 440402, MedGen C1970456, MONDO:0012582, OMIM 610921.

gnomAD v4.1: 29 of 1,613,648 alleles (0.0018%); highest among the groups gnomAD compares: East Asian, 0.011%; no homozygotes.

Submissions (2):

Myriad Genetics, Inc.
Classification: Uncertain significance for Interstitial lung disease due to ABCA3 deficiency. Last evaluated: 2025-07-21. Review status: criteria provided, single submitter. Criteria: Myriad Autosomal Dominant, Autosomal Recessive and X-Linked Classification Criteria (2023). Collection method: clinical testing. Allele origin: unknown.
Comment: NM_001089.2(ABCA3):c.623G>A(R208Q) is a missense variant classified as a variant of uncertain significance in the context of surfactant deficiency, ABCA3-related. R208Q has not been observed in cases with relevant disease. Relevant functional assessments of this variant are not available in the literature. R208Q has been observed in referenced population frequency databases. In summary, there is insufficient evidence to classify NM_001089.2(ABCA3):c.623G>A(R208Q) as pathogenic or benign. Please note: this variant was assessed in the context of healthy population screening.

Labcorp Genetics (formerly Invitae), Labcorp
Classification: Uncertain significance. Last evaluated: 2025-06-14. Review status: criteria provided, single submitter. Criteria: Invitae Variant Classification Sherloc (09022015). Collection method: clinical testing. Allele origin: germline.
Comment: This sequence change replaces arginine, which is basic and polar, with glutamine, which is neutral and polar, at codon 208 of the ABCA3 protein (p.Arg208Gln). This variant is present in population databases (rs746682954, gnomAD 0.02%). This variant has not been reported in the literature in individuals affected with ABCA3-related conditions. Invitae Evidence Modeling of protein sequence and biophysical properties (such as structural, functional, and spatial information, amino acid conservation, physicochemical variation, residue mobility, and thermodynamic stability) indicates that this missense variant is not expected to disrupt ABCA3 protein function with a negative predictive value of 80%. This variant disrupts the p.Arg208 amino acid residue in ABCA3. Other variant(s) that disrupt this residue have been determined to be pathogenic (PMID: 17517255, 22068586, 24871971, 27516224). This suggests that this residue is clinically significant, and that variants that disrupt this residue are likely to be disease-causing. In summary, the available evidence is currently insufficient to determine the role of this variant in disease. Therefore, it has been classified as a Variant of Uncertain Significance.

Literature cited by the submitters: PubMed 17517255 (cited by Labcorp Genetics (formerly Invitae), Labcorp); PubMed 22068586 (cited by Labcorp Genetics (formerly Invitae), Labcorp); PubMed 24871971 (cited by Labcorp Genetics (formerly Invitae), Labcorp); PubMed 27516224 (cited by Labcorp Genetics (formerly Invitae), Labcorp).